The following is an entry in ClinVar:

ClinVar aggregate classification (germline): Uncertain significance (1 of 4 stars; one submission).

Submission:

Labcorp Genetics (formerly Invitae), Labcorp
Classification: Uncertain significance. Last evaluated: 2023-09-05. Review status: criteria provided, single submitter. Criteria: Invitae Variant Classification Sherloc (09022015). Collection method: clinical testing. Allele origin: germline.
Comment: This sequence change replaces isoleucine, which is neutral and non-polar, with valine, which is neutral and non-polar, at codon 10 of the CYCS protein (p.Ile10Val). This variant is not present in population databases (gnomAD no frequency). This variant has not been reported in the literature in individuals affected with CYCS-related conditions. An algorithm developed to predict the effect of missense changes on protein structure and function (PolyPhen-2) suggests that this variant is likely to be tolerated. In summary, the available evidence is currently insufficient to determine the role of this variant in disease. Therefore, it has been classified as a Variant of Uncertain Significance.

NM_018947.6(CYCS):c.28A>G (p.Ile10Val)

Gene: CYCS (cytochrome c, somatic; minus strand). Cytogenetic location: 7p15.3.
Variant type: single nucleotide variant.
Coding change: c.28A>G on transcript NM_018947.6 (MANE Select); coding-DNA position 28, A replaced by G.
Protein change: p.Ile10Val; replaces isoleucine 10 with valine.
Molecular consequence: missense variant.
Genome position (GRCh38, 1-based): chr7:25,124,092, T>C on the plus strand (A>G on the coding strand, the complement: CYCS is on the minus strand). VCF-style: chr7-25124092-T-C. GRCh37 (hg19) VCF-style: chr7-25163711-T-C.
Other names: short protein forms I10V.
Identifiers: ClinVar variation 2758295 (VCV002758295.3), dbSNP rs2535206903, ClinGen allele CA367060592.